The following is an entry in ClinVar:

NM_020975.6(RET):c.1684A>C (p.Thr562Pro)

Gene: RET (ret proto-oncogene; plus strand). Cytogenetic location: 10q11.21.
Variant type: single nucleotide variant.
Coding change: c.1684A>C on transcript NM_020975.6 (MANE Select); coding-DNA position 1684, A replaced by C.
Protein change: p.Thr562Pro; replaces threonine 562 with proline.
Molecular consequence: missense variant.
Genome position (GRCh38, 1-based): chr10:43,112,888, A>C. VCF-style: chr10-43112888-A-C. GRCh37 (hg19) VCF-style: chr10-43608336-A-C.
Other names: c.1684A>C, p.Thr562Pro (NM_000323.2, NM_001406743.1, NM_001406744.1 and 6 more transcripts); c.922A>C, p.Thr308Pro (NM_001355216.2); c.1555A>C, p.Thr519Pro (NM_001406761.1, NM_001406762.1, NM_001406764.1 and 1 more transcripts); c.1396A>C, p.Thr466Pro (NM_001406766.1, NM_001406767.1, NM_001406770.1); c.1288A>C, p.Thr430Pro (NM_001406769.1, NM_001406772.1); c.1246A>C, p.Thr416Pro (NM_001406771.1, NM_001406773.1); c.1159A>C, p.Thr387Pro (NM_001406774.1); c.958A>C, p.Thr320Pro (NM_001406775.1, NM_001406776.1, NM_001406777.1 and 1 more transcripts); and 5 more; short protein forms T562P, T308P, T167P, T232P, T263P, T320P, T416P, T79P.
Identifiers: ClinVar variation 819826 (VCV000819826.11), dbSNP rs759342879, ClinGen allele CA376551865.

ClinVar aggregate classification (germline): Uncertain significance. Review status: criteria provided, multiple submitters, no conflicts (2 of 4 stars). 2 submissions from 2 submitters: Uncertain significance (2). Last evaluated 2021-08-30.

Conditions:
Multiple endocrine neoplasia, type 2 (MEN2). Identifiers: Orphanet 653, MedGen C4048306, MONDO:0019003. Disease mechanism: gain of function.
Hereditary cancer-predisposing syndrome. Also called: Neoplastic Syndromes, Hereditary; Tumor predisposition; Hereditary Cancer Syndrome; Hereditary neoplastic syndrome. Identifiers: Orphanet 140162, MedGen C0027672, MeSH D009386, MONDO:0015356.

Submissions (2):

Labcorp Genetics (formerly Invitae), Labcorp
Classification: Uncertain significance for Multiple endocrine neoplasia, type 2. Last evaluated: 2021-08-30. Review status: criteria provided, single submitter. Criteria: Invitae Variant Classification Sherloc (09022015). Collection method: clinical testing. Allele origin: germline.
Comment: Algorithms developed to predict the effect of missense changes on protein structure and function are either unavailable or do not agree on the potential impact of this missense change (SIFT: "Tolerated"; PolyPhen-2: "Possibly Damaging"; Align-GVGD: "Class C0"). This sequence change replaces threonine with proline at codon 562 of the RET protein (p.Thr562Pro). The threonine residue is weakly conserved and there is a small physicochemical difference between threonine and proline. This variant is not present in population databases (ExAC no frequency). This variant has not been reported in the literature in individuals affected with RET-related conditions. ClinVar contains an entry for this variant (Variation ID: 819826). In summary, the available evidence is currently insufficient to determine the role of this variant in disease. Therefore, it has been classified as a Variant of Uncertain Significance.

Ambry Genetics
Classification: Uncertain significance for Hereditary cancer-predisposing syndrome. Last evaluated: 2019-09-14. Review status: criteria provided, single submitter. Criteria: Ambry Variant Classification Scheme 2023. Collection method: clinical testing. Allele origin: germline.
Comment: The p.T562P variant (also known as c.1684A>C), located in coding exon 9 of the RET gene, results from an A to C substitution at nucleotide position 1684. The threonine at codon 562 is replaced by proline, an amino acid with highly similar properties. This amino acid position is poorly conserved in available vertebrate species. In addition, the in silico prediction for this alteration is inconclusive. Since supporting evidence is limited at this time, the clinical significance of this alteration remains unclear.